The following is an entry in ClinVar:

ClinVar aggregate classification (germline): Benign/Likely benign. Review status: criteria provided, multiple submitters, no conflicts (2 of 4 stars). 6 submissions from 6 submitters: Benign (3); Likely benign (2). 1 of the submissions does not count toward it. Last evaluated 2026-01-19.

Conditions:
Inborn genetic diseases. Identifiers: MedGen C0950123, MeSH D030342.
Intellectual developmental disorder with autism and macrocephaly. Also called: CHD8-Related Neurodevelopmental Disorder with Overgrowth; Autism, susceptibility to, 18. Identifiers: Orphanet 642675, MedGen C3554373, MONDO:0014017, OMIM 615032.
CHD8-related disorder. Also called: CHD8-related disorders; CHD8-related condition.

Allele frequency attached by ClinVar (database versions not stated): gnomAD 0.00048 and 0.00082; gnomAD exomes 0.00050 and 0.00184; TOPMed 0.00080; ExAC 0.00179; 1000 Genomes Project 0.00519; 1000 Genomes Project 30x 0.00562.
gnomAD v4.1: 912 of 1,613,896 alleles (0.057%); highest among the groups gnomAD compares: East Asian, 1.6%; 10 homozygotes.

Submissions (6):

Labcorp Genetics (formerly Invitae), Labcorp
Classification: Benign. Last evaluated: 2026-01-19. Review status: criteria provided, single submitter. Criteria: Invitae Variant Classification Sherloc (09022015). Collection method: clinical testing. Allele origin: germline.

Fulgent Genetics
Classification: Likely benign for Intellectual developmental disorder with autism and macrocephaly. Last evaluated: 2022-02-25. Review status: criteria provided, single submitter. Criteria: ACMG Guidelines, 2015. Collection method: clinical testing. Allele origin: unknown.

GeneDx
Classification: Likely benign. Last evaluated: 2020-12-04. Review status: criteria provided, single submitter. Criteria: GeneDx Variant Classification Process June 2021. Collection method: clinical testing. Allele origin: germline. Affected: yes.

Ambry Genetics
Classification: Benign for Inborn genetic diseases. Last evaluated: 2016-05-06. Review status: criteria provided, single submitter. Criteria: Ambry Variant Classification Scheme 2023. Collection method: clinical testing. Allele origin: germline.

Eurofins Ntd Llc (ga)
Classification: Benign. Last evaluated: 2015-04-24. Review status: criteria provided, single submitter. Criteria: EGL Classification Definitions 2015. Collection method: clinical testing. Allele origin: germline. Observed: 1 variant allele, 1 heterozygote.

PreventionGenetics, part of Exact Sciences
Classification: Benign for CHD8-related condition. Last evaluated: 2022-05-06. Review status: no assertion criteria provided. Collection method: clinical testing. Allele origin: germline. Not counted in ClinVar's aggregate classification.
Comment: This variant is classified as benign based on ACMG/AMP sequence variant interpretation guidelines (Richards et al. 2015 PMID: 25741868, with internal and published modifications).

NM_001170629.2(CHD8):c.6119A>G (p.Asp2040Gly)

Gene: CHD8 (chromodomain helicase DNA binding protein 8; minus strand). Cytogenetic location: 14q11.2.
Variant type: single nucleotide variant.
Coding change: c.6119A>G on transcript NM_001170629.2 (MANE Select); coding-DNA position 6119, A replaced by G.
Protein change: p.Asp2040Gly; replaces aspartic acid 2040 with glycine.
Molecular consequence: missense variant.
Genome position (GRCh38, 1-based): chr14:21,393,676, T>C on the plus strand (A>G on the coding strand, the complement: CHD8 is on the minus strand). VCF-style: chr14-21393676-T-C. GRCh37 (hg19) VCF-style: chr14-21861835-T-C.
Other names: c.5282A>G, p.Asp1761Gly (NM_020920.4); short protein forms D1761G, D2040G.
Identifiers: ClinVar variation 196671 (VCV000196671.24), dbSNP rs148494847, ClinGen allele CA202496.
Genomic context (GRCh38, chr14:21,393,676, plus strand): 5'-GGTGGAACACTCCGGGAAACCAGAGGGGTAGTATCAGAGGGGGATACTCGCATCTCATAG[T>C]CTTGTGGGGTTGGTCGGCTCCTGGCCACCACCTCGTGCTCTAGCTTTAAAGTCAGACTCT-3'
Protein context (NP_001164100.1, residues 2030-2050): VVARSRPTPQ[Asp2040Gly]YEMRVSPSDT